The following is an entry in ClinVar:

ClinVar aggregate classification (germline): Uncertain significance (1 of 4 stars; one submission).

gnomAD v4.1: 3 of 1,598,472 alleles (0.00019%); highest among the groups gnomAD compares: Non-Finnish European, 0.00026%; no homozygotes.

Submission:

GeneDx
Classification: Uncertain significance. Last evaluated: 2025-01-16. Review status: criteria provided, single submitter. Criteria: GeneDx Variant Classification Process June 2021. Collection method: clinical testing. Allele origin: germline. Affected: yes.
Comment: Not observed at significant frequency in large population cohorts (gnomAD); In silico analysis supports that this missense variant has a deleterious effect on protein structure/function; Has not been previously published as pathogenic or benign to our knowledge

NM_001205293.3(CACNA1E):c.4774A>G (p.Thr1592Ala)

Gene: CACNA1E (calcium voltage-gated channel subunit alpha1 E; plus strand). Cytogenetic location: 1q25.3.
Variant type: single nucleotide variant.
Coding change: c.4774A>G on transcript NM_001205293.3 (MANE Select); coding-DNA position 4774, A replaced by G.
Protein change: p.Thr1592Ala; replaces threonine 1592 with alanine.
Molecular consequence: missense variant.
Genome position (GRCh38, 1-based): chr1:181,763,490, A>G. VCF-style: chr1-181763490-A-G. GRCh37 (hg19) VCF-style: chr1-181732626-A-G.
Other names: c.4774A>G, p.Thr1592Ala (NM_000721.4); c.4717A>G, p.Thr1573Ala (NM_001205294.2); short protein forms T1573A, T1592A.
Identifiers: ClinVar variation 4070598 (VCV004070598.1).